The following is an entry in ClinVar:

ClinVar aggregate classification (germline): Uncertain significance (1 of 4 stars; one submission).

Allele frequency attached by ClinVar (database versions not stated): gnomAD 0.00001; gnomAD exomes 0.00001; TOPMed 0.00002; ESP Exome Variant Server 0.00010.

Submission:

Labcorp Genetics (formerly Invitae), Labcorp
Classification: Uncertain significance. Last evaluated: 2024-07-08. Review status: criteria provided, single submitter. Criteria: Invitae Variant Classification Sherloc (09022015). Collection method: clinical testing. Allele origin: germline.
Comment: This variant occurs in the MIR96 gene, which encodes an RNA molecule that does not result in a protein product. This variant is present in population databases (rs367683993, gnomAD 0.01%). This variant has not been reported in the literature in individuals affected with MIR96-related conditions. ClinVar contains an entry for this variant (Variation ID: 1504423). Experimental studies and prediction algorithms are not available or were not evaluated, and the functional significance of this variant is currently unknown. In summary, the available evidence is currently insufficient to determine the role of this variant in disease. Therefore, it has been classified as a Variant of Uncertain Significance.

NC_000007.14:g.129774731G>A

Gene: MIR96 (microRNA 96; minus strand). Cytogenetic location: 7q32.2.
Variant type: single nucleotide variant.
Molecular consequence: non-coding transcript variant (on NR_029512.1).
Genome position: GRCh38 VCF-style: chr7-129774731-G-A. GRCh37 (hg19) VCF-style: chr7-129414571-G-A.
Identifiers: ClinVar variation 1504423 (VCV001504423.6), dbSNP rs367683993, ClinGen allele CA4481367.